The following is an entry in ClinVar:

NM_001077446.4(TSEN34):c.392C>T (p.Ser131Leu)

Gene: TSEN34 (tRNA splicing endonuclease subunit 34; plus strand). Cytogenetic location: 19q13.42.
Variant type: single nucleotide variant.
Coding change: c.392C>T on transcript NM_001077446.4 (MANE Select); coding-DNA position 392, C replaced by T.
Protein change: p.Ser131Leu; replaces serine 131 with leucine.
Molecular consequence: missense variant.
Genome position (GRCh38, 1-based): chr19:54,191,869, C>T. VCF-style: chr19-54191869-C-T. GRCh37 (hg19) VCF-style: chr19-54695720-C-T.
Other names: c.392C>T, p.Ser131Leu (NM_001282332.2, NM_001282333.2, NM_001386740.1 and 1 more transcripts); short protein forms S131L.
Identifiers: ClinVar variation 212447 (VCV000212447.59), dbSNP rs202245444, ClinGen allele CA208324.
Genomic context (GRCh38, chr19:54,191,869, plus strand): 5'-AGCTCCTGGAGAAGATTACGGAGGGCCAGGCTGCTAAGAAGCAGAAACTAGAACAGGCTT[C>T]AGGGGCCAGCTCAAGCCAGGAGGCCGGCTCGAGCCAGGCTGCCAAAGAGGATGAGACCAG-3'
Protein context (NP_001070914.1, residues 121-141): AAKKQKLEQA[Ser131Leu]GASSSQEAGS

ClinVar aggregate classification (germline): Conflicting classifications of pathogenicity. Review status: criteria provided, conflicting classifications (1 of 4 stars). 7 submissions from 7 submitters: Uncertain significance (6); Likely benign (1). Last evaluated 2026-06-01.

Conditions:
Pontoneocerebellar hypoplasia. Also called: Pontocerebellar hypoplasia; Non-syndromic pontocerebellar hypoplasia. Identifiers: Orphanet 98523, MedGen C1261175, MONDO:0020135.
Pontocerebellar hypoplasia type 2C (PCH2C). Identifiers: Orphanet 2524, MedGen C2676465, MONDO:0012891, OMIM 612390.

Allele frequency attached by ClinVar (database versions not stated): ESP Exome Variant Server 0.00041; ExAC 0.00044; gnomAD 0.00050 and 0.00052; gnomAD exomes 0.00054 and 0.00055; 1000 Genomes Project 0.00060; TOPMed 0.00066; 1000 Genomes Project 30x 0.00078.
gnomAD v4.1: 897 of 1,614,086 alleles (0.056%); highest among the groups gnomAD compares: Admixed American, 0.12%; 1 homozygote.

Submissions (7):

CeGaT Center for Human Genetics Tuebingen
Classification: Likely benign. Last evaluated: 2026-06-01. Review status: criteria provided, single submitter. Criteria: CeGaT Center For Human Genetics Tuebingen Variant Classification Criteria Version 2. Collection method: clinical testing. Allele origin: germline. Affected: yes. Observed: 2 variant alleles.
Comment: TSEN34: BP4

Labcorp Genetics (formerly Invitae), Labcorp
Classification: Uncertain significance. Last evaluated: 2025-12-19. Review status: criteria provided, single submitter. Criteria: Invitae Variant Classification Sherloc (09022015). Collection method: clinical testing. Allele origin: germline.
Comment: This sequence change replaces serine, which is neutral and polar, with leucine, which is neutral and non-polar, at codon 131 of the TSEN34 protein (p.Ser131Leu). This variant is present in population databases (rs202245444, gnomAD 0.1%), and has an allele count higher than expected for a pathogenic variant. This variant has not been reported in the literature in individuals affected with TSEN34-related conditions. ClinVar contains an entry for this variant (Variation ID: 212447). An algorithm developed to predict the effect of missense changes on protein structure and function outputs the following: PolyPhen-2: "Benign". The leucine amino acid residue is found in multiple mammalian species, which suggests that this missense change does not adversely affect protein function. In summary, the available evidence is currently insufficient to determine the role of this variant in disease. Therefore, it has been classified as a Variant of Uncertain Significance.

GeneDx
Classification: Uncertain significance. Last evaluated: 2019-05-21. Review status: criteria provided, single submitter. Criteria: GeneDx Variant Classification Process June 2021. Collection method: clinical testing. Allele origin: germline. Affected: yes.
Comment: In silico analysis, which includes protein predictors and evolutionary conservation, supports that this variant does not alter protein structure/function; Has not been previously published as pathogenic or benign to our knowledge

Fulgent Genetics
Classification: Uncertain significance for Pontocerebellar hypoplasia type 2C. Last evaluated: 2018-10-31. Review status: criteria provided, single submitter. Criteria: ACMG Guidelines, 2015. Collection method: clinical testing. Allele origin: unknown.

Illumina Laboratory Services, Illumina
Classification: Uncertain significance for Pontoneocerebellar hypoplasia. Last evaluated: 2018-01-12. Review status: criteria provided, single submitter. Criteria: ICSL Variant Classification Criteria 13 December 2019. Collection method: clinical testing. Allele origin: germline.

Genetic Services Laboratory, University of Chicago
Classification: Uncertain significance. Last evaluated: 2015-01-15. Review status: criteria provided, single submitter. Criteria: ACMG Guidelines, 2015. Collection method: clinical testing. Allele origin: germline.

Breakthrough Genomics
Classification: Uncertain significance. Review status: criteria provided, single submitter. Criteria: ACMG Guidelines, 2015. Collection method: not provided. Allele origin: germline. Inheritance: Autosomal dominant inheritance. Affected: yes.